The following is an entry in ClinVar:

NM_001942.4(DSG1):c.2215A>G (p.Ile739Val)

Genes: DSG1 (desmoglein 1; plus strand), DSG1-AS1 (DSG1 antisense RNA 1; minus strand), LOC126862720 (MED14-independent group 3 enhancer GRCh37_chr18:28933613-28934812; plus strand). Cytogenetic location: 18q12.1.
Variant type: single nucleotide variant.
Coding change: c.2215A>G on transcript NM_001942.4 (MANE Select); coding-DNA position 2215, A replaced by G.
Protein change: p.Ile739Val; replaces isoleucine 739 with valine.
Molecular consequence: missense variant. On other transcripts: non-coding transcript variant (1).
Genome position (GRCh38, 1-based): chr18:31,354,411, A>G. VCF-style: chr18-31354411-A-G. GRCh37 (hg19) VCF-style: chr18-28934374-A-G.
Other names: short protein forms I739V.
Identifiers: ClinVar variation 775466 (VCV000775466.37), dbSNP rs78995670, ClinGen allele CA8926315.
Genomic context (GRCh38, chr18:31,354,411, plus strand): 5'-CTCATATATGACATCGAAGGTGTAGGTTCCCCTGCTGGCTCTGTGGGTTGTTGTAGCTTC[A>G]TTGGAGAAGACCTGGATGACAGCTTCTTGGATACCCTGGGACCTAAATTTAAGAAGTTGG-3'
Protein context (NP_001933.2, residues 729-749): PAGSVGCCSF[Ile739Val]GEDLDDSFLD

ClinVar aggregate classification (germline): Benign/Likely benign. Review status: criteria provided, multiple submitters, no conflicts (2 of 4 stars). 4 submissions from 4 submitters: Benign (2); Likely benign (2). Last evaluated 2026-02-01.

Allele frequency attached by ClinVar (database versions not stated): 1000 Genomes Project 0.00180; 1000 Genomes Project 30x 0.00203; gnomAD exomes 0.00390; ExAC 0.00406; TOPMed 0.00408; gnomAD 0.00442 and 0.00449; ESP Exome Variant Server 0.00607.
gnomAD v4.1: 10,730 of 1,614,190 alleles (0.66%); highest among the groups gnomAD compares: Non-Finnish European, 0.85%; 32 homozygotes.

Submissions (4):

Labcorp Genetics (formerly Invitae), Labcorp
Classification: Benign. Last evaluated: 2026-02-01. Review status: criteria provided, single submitter. Criteria: Invitae Variant Classification Sherloc (09022015). Collection method: clinical testing. Allele origin: germline.

CeGaT Center for Human Genetics Tuebingen
Classification: Likely benign. Last evaluated: 2026-01-01. Review status: criteria provided, single submitter. Criteria: CeGaT Center For Human Genetics Tuebingen Variant Classification Criteria Version 2. Collection method: clinical testing. Allele origin: germline. Affected: yes. Observed: 3 variant alleles.
Comment: DSG1: BP4, BS2

Blueprint Genetics
Classification: Likely benign. Last evaluated: 2024-11-20. Review status: criteria provided, single submitter. Criteria: ACMG Guidelines, 2015. Collection method: clinical testing. Allele origin: germline.

Breakthrough Genomics
Classification: Benign. Review status: criteria provided, single submitter. Criteria: ACMG Guidelines, 2015. Collection method: not provided. Allele origin: germline. Inheritance: Autosomal recessive inheritance. Affected: yes.